The following is an entry in ClinVar:

NM_078629.4(MSL3):c.1425G>T (p.Lys475Asn)

Gene: MSL3 (MSL complex subunit 3; plus strand). Cytogenetic location: Xp22.2.
Variant type: single nucleotide variant.
Coding change: c.1425G>T on transcript NM_078629.4 (MANE Select); coding-DNA position 1425, G replaced by T.
Protein change: p.Lys475Asn; replaces lysine 475 with asparagine.
Molecular consequence: missense variant.
Genome position (GRCh38, 1-based): chrX:11,772,664, G>T. VCF-style: chrX-11772664-G-T. GRCh37 (hg19) VCF-style: chrX-11790783-G-T.
Other names: c.1389G>T, p.Lys463Asn (NM_001193270.2); c.978G>T, p.Lys326Asn (NM_001282174.1); c.927G>T, p.Lys309Asn (NM_006800.4); short protein forms K326N, K309N, K463N, K475N.
Identifiers: ClinVar variation 5009213 (VCV005009213.1).
Genomic context (GRCh38, chrX:11,772,664, plus strand): 5'-CTTTATTTTTAATGCAGTGAAACTTCCAGAAATCCTTGGAAAGATGTCCTTTTCTGAGAA[G>T]AATCTGAAGGCTTTATTGAAGCACTTTGATCTCTTTTTGAGGTATTTTTATTATTTTGTC-3'
Protein context (NP_523353.2, residues 465-485): EILGKMSFSE[Lys475Asn]NLKALLKHFD

ClinVar aggregate classification (germline): Uncertain significance (1 of 4 stars; one submission).

Submission:

GeneDx
Classification: Uncertain significance. Last evaluated: 2026-03-16. Review status: criteria provided, single submitter. Criteria: GeneDx Variant Classification Process June 2021. Collection method: clinical testing. Allele origin: germline.
Comment: Not observed at significant frequency in large population cohorts (gnomAD); In silico analysis supports that this missense variant has a deleterious effect on protein structure/function; Has not been previously published as pathogenic or benign to our knowledge